The following is an entry in ClinVar:

NM_020821.3(VPS13C):c.7498G>A (p.Val2500Ile)

Gene: VPS13C (vacuolar protein sorting 13 homolog C; minus strand). Cytogenetic location: 15q22.2.
Variant type: single nucleotide variant.
Coding change: c.7498G>A on transcript NM_020821.3 (MANE Select); coding-DNA position 7498, G replaced by A.
Protein change: p.Val2500Ile; replaces valine 2500 with isoleucine.
Molecular consequence: missense variant.
Genome position (GRCh38, 1-based): chr15:61,919,429, C>T on the plus strand (G>A on the coding strand, the complement: VPS13C is on the minus strand). VCF-style: chr15-61919429-C-T. GRCh37 (hg19) VCF-style: chr15-62211628-C-T.
Other names: c.7498G>A, p.Val2500Ile (NM_001018088.3); c.7369G>A, p.Val2457Ile (NM_017684.5, NM_018080.4); short protein forms V2457I, V2500I.
Identifiers: ClinVar variation 1486281 (VCV001486281.8), dbSNP rs370954921, ClinGen allele CA7595246.

ClinVar aggregate classification (germline): Uncertain significance (1 of 4 stars; one submission).

Allele frequency attached by ClinVar (database versions not stated): gnomAD exomes 0.00001 and 0.00004; ExAC 0.00004; TOPMed 0.00006; gnomAD 0.00007 and 0.00009; ESP Exome Variant Server 0.00008; 1000 Genomes Project 30x 0.00016; 1000 Genomes Project 0.00020.
gnomAD v4.1: 30 of 1,587,952 alleles (0.0019%); highest among the groups gnomAD compares: African/African-American, 0.022%; no homozygotes.

Submission:

Labcorp Genetics (formerly Invitae), Labcorp
Classification: Uncertain significance. Last evaluated: 2021-07-04. Review status: criteria provided, single submitter. Criteria: Invitae Variant Classification Sherloc (09022015). Collection method: clinical testing. Allele origin: germline.
Comment: Algorithms developed to predict the effect of missense changes on protein structure and function (SIFT, PolyPhen-2, Align-GVGD) all suggest that this variant is likely to be tolerated. This sequence change replaces valine with isoleucine at codon 2500 of the VPS13C protein (p.Val2500Ile). The valine residue is moderately conserved and there is a small physicochemical difference between valine and isoleucine. This variant is present in population databases (rs370954921, ExAC 0.03%). This variant has not been reported in the literature in individuals affected with VPS13C-related conditions. In summary, the available evidence is currently insufficient to determine the role of this variant in disease. Therefore, it has been classified as a Variant of Uncertain Significance.